The following is an entry in ClinVar:

NM_001134673.4(NFIA):c.586C>T (p.Gln196Ter)

Gene: NFIA (nuclear factor I A; plus strand). Cytogenetic location: 1p31.3.
Variant type: single nucleotide variant.
Coding change: c.586C>T on transcript NM_001134673.4 (MANE Select); coding-DNA position 586, C replaced by T.
Protein change: p.Gln196Ter; replaces glutamine 196 with a stop codon.
Molecular consequence: nonsense.
Genome position (GRCh38, 1-based): chr1:61,277,546, C>T. VCF-style: chr1-61277546-C-T. GRCh37 (hg19) VCF-style: chr1-61743218-C-T.
Other names: c.562C>T, p.Gln188Ter (NM_001145511.2); c.721C>T, p.Gln241Ter (NM_001145512.2); c.586C>T, p.Gln196Ter (NM_005595.5); short protein forms Q188*, Q196*, Q241*.
Identifiers: ClinVar variation 504296 (VCV000504296.2), dbSNP rs1553167851, ClinGen allele CA340587401.

ClinVar aggregate classification (germline): Pathogenic (1 of 4 stars; one submission).

Submission:

GeneDx
Classification: Pathogenic. Last evaluated: 2018-03-12. Review status: criteria provided, single submitter. Criteria: GeneDx Variant Classification (06012015). Collection method: clinical testing. Allele origin: germline. Affected: yes.
Comment: The Q196X variant in the NFIA gene has not been reported previously as a pathogenic variant nor as a benign variant, to our knowledge. This variant is predicted to cause loss of normal protein function either through protein truncation or nonsense-mediated mRNA decay. The Q196X variant is not observed in large population cohorts (Lek et al., 2016). We interpret Q196X as a pathogenic variant.